The following is an entry in ClinVar:

NM_002906.4(RDX):c.134T>C (p.Phe45Ser)

Gene: RDX (radixin; minus strand). Cytogenetic location: 11q22.3.
Variant type: single nucleotide variant.
Coding change: c.134T>C on transcript NM_002906.4 (MANE Select); coding-DNA position 134, T replaced by C.
Protein change: p.Phe45Ser; replaces phenylalanine 45 with serine.
Molecular consequence: missense variant. On other transcripts: intron variant (3).
Genome position (GRCh38, 1-based): chr11:110,264,837, A>G on the plus strand (T>C on the coding strand, the complement: RDX is on the minus strand). VCF-style: chr11-110264837-A-G. GRCh37 (hg19) VCF-style: chr11-110135562-A-G.
Other names: c.134T>C, p.Phe45Ser (NM_001260492.2, NM_001260493.2); c.-83+14844T>C (NM_001260495.2); c.97-603T>C (NM_001260496.2); c.60-6648T>C (NM_001260494.2); short protein forms F45S.
Identifiers: ClinVar variation 3236793 (VCV003236793.1), dbSNP rs2539443649.
Genomic context (GRCh38, chr11:110,264,837, plus strand): 5'-ACCTTTTTATTTAGTTTAAGCCATGTAGAATAACCTTTGCTGTCTACATACTGCAGCCCA[A>G]AAAACCAGACCTCACGCAAACCAACTGTTTTCACCACCTAAAACACAACAACAACAAAAA-3'
Protein context (NP_002897.1, residues 35-55): KTVGLREVWF[Phe45Ser]GLQYVDSKGY

ClinVar aggregate classification (germline): Uncertain significance (1 of 4 stars; one submission).

Conditions:
Autosomal recessive nonsyndromic hearing loss 24. Identifiers: Orphanet 90636, MedGen C1970239, MONDO:0012602, OMIM 611022.

Submission:

MVZ Medizinische Genetik Mainz
Classification: Uncertain significance for Autosomal recessive nonsyndromic hearing loss 24. Last evaluated: 2023-03-02. Review status: criteria provided, single submitter. Criteria: UK Practice Guidelines For Variant Classification V4 01 2020. Collection method: clinical testing. Allele origin: germline. Inheritance: Autosomal recessive inheritance. Affected: yes. Observed: 1 variant allele.
Comment: ACMG Criteria: PM1_SUP, PM2_SUP, PP3 (ACMG Version 4)